The following is an entry in ClinVar:

ClinVar aggregate classification (germline): Conflicting classifications of pathogenicity. Review status: criteria provided, conflicting classifications (1 of 4 stars). 4 submissions from 4 submitters: Uncertain significance (1); Likely benign (3). Last evaluated 2026-03-27.

Conditions:
Dilated cardiomyopathy 1G (CMD1G). Identifiers: Orphanet 154, MedGen C1858763, MONDO:0011400, OMIM 604145.
Autosomal recessive limb-girdle muscular dystrophy type 2J (LGMDR10). Also called: MUSCULAR DYSTROPHY, LIMB-GIRDLE, AUTOSOMAL RECESSIVE 10; Limb-girdle muscular dystrophy, type 2J. Identifiers: Orphanet 140922, MedGen C1837342, MONDO:0012127, OMIM 608807.
Cardiovascular phenotype. Identifiers: MedGen CN230736.
TTN-related disorder. Also called: TTN-related condition; TTN-related disease; TTN-related disorders.

Allele frequency attached by ClinVar (database versions not stated): ExAC 0.00001; gnomAD 0.00001; gnomAD exomes 0.00001 and 0.00003; TOPMed 0.00001.
gnomAD v4.1: 11 of 1,613,890 alleles (0.00068%); highest among the groups gnomAD compares: Admixed American, 0.015%; no homozygotes.

Submissions (4):

PreventionGenetics, part of Exact Sciences
Classification: Likely benign for TTN-related condition. Last evaluated: 2026-03-27. Review status: criteria provided, single submitter. Criteria: ACMG Guidelines, 2015. Collection method: clinical testing. Allele origin: germline.
Comment: This variant is classified as likely benign based on ACMG/AMP sequence variant interpretation guidelines (Richards et al. 2015 PMID: 25741868, with internal and published modifications).

Labcorp Genetics (formerly Invitae), Labcorp
Classification: Likely benign for Dilated cardiomyopathy 1G; Autosomal recessive limb-girdle muscular dystrophy type 2J. Last evaluated: 2026-01-24. Review status: criteria provided, single submitter. Criteria: Invitae Variant Classification Sherloc (09022015). Collection method: clinical testing. Allele origin: germline.

Ambry Genetics
Classification: Likely benign for Cardiovascular phenotype. Last evaluated: 2022-02-20. Review status: criteria provided, single submitter. Criteria: Ambry Variant Classification Scheme 2023. Collection method: clinical testing. Allele origin: germline.

Eurofins Ntd Llc (ga)
Classification: Uncertain significance. Last evaluated: 2018-08-13. Review status: criteria provided, single submitter. Criteria: EGL ClinVar v180209 classification definitions. Collection method: clinical testing. Allele origin: germline. Observed: 1 variant allele, 1 heterozygote.

NM_001267550.2(TTN):c.6406T>C (p.Leu2136=)

Gene: TTN (titin; minus strand). Cytogenetic location: 2q31.2.
Variant type: single nucleotide variant.
Coding change: c.6406T>C on transcript NM_001267550.2 (MANE Select); coding-DNA position 6406, T replaced by C.
Protein change: p.Leu2136=; no amino-acid change (leucine 2136 retained).
Molecular consequence: synonymous variant.
Genome position (GRCh38, 1-based): chr2:178,775,458, A>G on the plus strand (T>C on the coding strand, the complement: TTN is on the minus strand). VCF-style: chr2-178775458-A-G. GRCh37 (hg19) VCF-style: chr2-179640185-A-G.
Other names: c.6406T>C, p.Leu2136= (NM_001256850.1, NM_133378.4, NM_133379.5); c.6268T>C, p.Leu2090= (NM_003319.4, NM_133432.3, NM_133437.4).
Identifiers: ClinVar variation 598285 (VCV000598285.16), dbSNP rs765377738, ClinGen allele CA2005054.